The following is an entry in ClinVar:

NM_001110556.2(FLNA):c.79G>T (p.Glu27Ter)

Gene: FLNA (filamin A; minus strand). Cytogenetic location: Xq28.
Variant type: single nucleotide variant.
Coding change: c.79G>T on transcript NM_001110556.2 (MANE Select); coding-DNA position 79, G replaced by T.
Protein change: p.Glu27Ter; replaces glutamic acid 27 with a stop codon.
Molecular consequence: nonsense.
Genome position (GRCh38, 1-based): chrX:154,371,167, C>A on the plus strand (G>T on the coding strand, the complement: FLNA is on the minus strand). VCF-style: chrX-154371167-C-A. GRCh37 (hg19) VCF-style: chrX-153599535-C-A.
Other names: c.79G>T, p.Glu27Ter (NM_001456.4); short protein forms E27*.
Identifiers: ClinVar variation 2584535 (VCV002584535.1), dbSNP rs2522771899, ClinGen allele CA415255663.

ClinVar aggregate classification (germline): Likely pathogenic (1 of 4 stars; one submission).

Conditions:
FLNA-related disorder.

Submission:

Rady Children's Institute for Genomic Medicine, Rady Children's Hospital San Diego
Classification: Likely pathogenic for FLNA - related disorder. Review status: criteria provided, single submitter. Criteria: ACMG Guidelines, 2015. Collection method: clinical testing. Allele origin: germline. Affected: yes.
Comment: This nonsense variant found in exon 2 of 48 is predicted to result in loss of normal protein function through either protein truncation or nonsense-mediated mRNA decay (NMD). This variant has not been previously reported or functionally characterized in the literature to our knowledge. It is absent from the gnomAD population database and thus is presumed to be rare. Based on the available evidence, the c.79G>T (p.Glu27Ter) variant is classified as Likely Pathogenic.